The following is an entry in ClinVar:

ClinVar aggregate classification (germline): Uncertain significance. Review status: criteria provided, multiple submitters, no conflicts (2 of 4 stars). 2 submissions from 2 submitters: Uncertain significance (2). Last evaluated 2024-02-17.

Conditions:
Adams-Oliver syndrome 5 (AOS5). Identifiers: Orphanet 974, MedGen C4014970, MONDO:0014459, OMIM 616028.
Familial thoracic aortic aneurysm and aortic dissection (TAAD). Also called: Thoracic aortic aneurysms and dissections. Identifiers: Orphanet 91387, MedGen C4707243, MONDO:0019625.

Allele frequency attached by ClinVar (database versions not stated): gnomAD exomes below 0.00001.
gnomAD v4.1: 2 of 1,612,908 alleles (0.00012%); highest among the groups gnomAD compares: Non-Finnish European, 0.00017%; no homozygotes.

Submissions (2):

Labcorp Genetics (formerly Invitae), Labcorp
Classification: Uncertain significance for Adams-Oliver syndrome 5. Last evaluated: 2024-02-17. Review status: criteria provided, single submitter. Criteria: Invitae Variant Classification Sherloc (09022015). Collection method: clinical testing. Allele origin: germline.
Comment: This sequence change replaces serine, which is neutral and polar, with asparagine, which is neutral and polar, at codon 1711 of the NOTCH1 protein (p.Ser1711Asn). This variant is not present in population databases (gnomAD no frequency). This variant has not been reported in the literature in individuals affected with NOTCH1-related conditions. ClinVar contains an entry for this variant (Variation ID: 1745563). Advanced modeling of protein sequence and biophysical properties (such as structural, functional, and spatial information, amino acid conservation, physicochemical variation, residue mobility, and thermodynamic stability) performed at Invitae indicates that this missense variant is not expected to disrupt NOTCH1 protein function with a negative predictive value of 80%. In summary, the available evidence is currently insufficient to determine the role of this variant in disease. Therefore, it has been classified as a Variant of Uncertain Significance.

Ambry Genetics
Classification: Uncertain significance for Familial thoracic aortic aneurysm and aortic dissection. Last evaluated: 2022-05-25. Review status: criteria provided, single submitter. Criteria: Ambry Variant Classification Scheme 2023. Collection method: clinical testing. Allele origin: germline.
Comment: The p.S1711N variant (also known as c.5132G>A), located in coding exon 27 of the NOTCH1 gene, results from a G to A substitution at nucleotide position 5132. The serine at codon 1711 is replaced by asparagine, an amino acid with highly similar properties. This amino acid position is not well conserved in available vertebrate species. In addition, this alteration is predicted to be tolerated by in silico analysis. Since supporting evidence is limited at this time, the clinical significance of this alteration remains unclear.

NM_017617.5(NOTCH1):c.5132G>A (p.Ser1711Asn)

Gene: NOTCH1 (notch receptor 1; minus strand). Cytogenetic location: 9q34.3.
Variant type: single nucleotide variant.
Coding change: c.5132G>A on transcript NM_017617.5 (MANE Select); coding-DNA position 5132, G replaced by A.
Protein change: p.Ser1711Asn; replaces serine 1711 with asparagine.
Molecular consequence: missense variant.
Genome position (GRCh38, 1-based): chr9:136,503,217, C>T on the plus strand (G>A on the coding strand, the complement: NOTCH1 is on the minus strand). VCF-style: chr9-136503217-C-T. GRCh37 (hg19) VCF-style: chr9-139397669-C-T.
Other names: short protein forms S1711N.
Identifiers: ClinVar variation 1745563 (VCV001745563.4), dbSNP rs2133333235, ClinGen allele CA375642078.